The following is an entry in ClinVar:

NM_000059.4(BRCA2):c.3113A>G (p.Tyr1038Cys)

Gene: BRCA2 (BRCA2 DNA repair associated; plus strand). Cytogenetic location: 13q13.1.
Variant type: single nucleotide variant.
Coding change: c.3113A>G on transcript NM_000059.4 (MANE Select); coding-DNA position 3113, A replaced by G.
Protein change: p.Tyr1038Cys; replaces tyrosine 1038 with cysteine.
Molecular consequence: missense variant.
Genome position (GRCh38, 1-based): chr13:32,337,468, A>G. VCF-style: chr13-32337468-A-G. GRCh37 (hg19) VCF-style: chr13-32911605-A-G.
Other names: short protein forms Y1038C.
Identifiers: ClinVar variation 232180 (VCV000232180.14), dbSNP rs876659602, ClinGen allele CA10579564.
Genomic context (GRCh38, chr13:32,337,468, plus strand): 5'-AGCTCTCTGAACATAACATTAAGAAGAGCAAAATGTTCTTCAAAGATATTGAAGAACAAT[A>G]TCCTACTAGTTTAGCTTGTGTTGAAATTGTAAATACCTTGGCATTAGATAATCAAAAGAA-3'
Protein context (NP_000050.3, residues 1028-1048): KMFFKDIEEQ[Tyr1038Cys]PTSLACVEIV

ClinVar aggregate classification (germline): Conflicting classifications of pathogenicity. Review status: criteria provided, conflicting classifications (1 of 4 stars). 4 submissions from 4 submitters: Uncertain significance (3); Likely benign (1). Last evaluated 2024-12-03.

Conditions:
Hereditary cancer-predisposing syndrome. Also called: Neoplastic Syndromes, Hereditary; Tumor predisposition; Hereditary Cancer Syndrome; Hereditary neoplastic syndrome. Identifiers: Orphanet 140162, MedGen C0027672, MeSH D009386, MONDO:0015356.
Hereditary breast ovarian cancer syndrome. Also called: BRCA1- and BRCA2-Associated Hereditary Breast and Ovarian Cancer; Hereditary breast and ovarian cancer syndrome; Hereditary breast and ovarian cancer; Hereditary breast and ovarian cancer syndrome (HBOC); Breast and ovarian cancer; Hereditary breast and/or ovarian cancer syndrome. Identifiers: Orphanet 145, MedGen C0677776, MeSH D061325, MONDO:0003582. Disease mechanism: loss of function.

Submissions (4):

Quest Diagnostics Nichols Institute San Juan Capistrano
Classification: Uncertain significance. Last evaluated: 2024-12-03. Review status: criteria provided, single submitter. Criteria: Quest Diagnostics criteria. Collection method: clinical testing. Allele origin: unknown.
Comment: The BRCA2 c.3113A>G (p.Tyr1038Cys) variant has not been reported in individuals with BRCA2-related conditions in the published literature. This variant has been reported to be located in a region of the BRCA2 gene that is tolerant to missense sequence changes (PMID: 31911673 (2020)). This variant has not been reported in large, multi-ethnic general populations (Genome Aggregation Database). Analysis of this variant using bioinformatics tools for the prediction of the effect of amino acid changes on protein structure and function yielded predictions that this variant is benign. Based on the available information, we are unable to determine the clinical significance of this variant.

Ambry Genetics
Classification: Uncertain significance for Hereditary cancer-predisposing syndrome. Last evaluated: 2024-08-07. Review status: criteria provided, single submitter. Criteria: Ambry Variant Classification Scheme 2023. Collection method: clinical testing. Allele origin: germline.
Comment: The p.Y1038C variant (also known as c.3113A>G), located in coding exon 10 of the BRCA2 gene, results from an A to G substitution at nucleotide position 3113. The tyrosine at codon 1038 is replaced by cysteine, an amino acid with highly dissimilar properties. This amino acid position is not well conserved in available vertebrate species. In addition, this alteration is predicted to be tolerated by in silico analysis. Based on the available evidence, the clinical significance of this variant remains unclear.

Labcorp Genetics (formerly Invitae), Labcorp
Classification: Uncertain significance for Hereditary breast ovarian cancer syndrome. Last evaluated: 2024-05-08. Review status: criteria provided, single submitter. Criteria: Invitae Variant Classification Sherloc (09022015). Collection method: clinical testing. Allele origin: germline.
Comment: This sequence change replaces tyrosine, which is neutral and polar, with cysteine, which is neutral and slightly polar, at codon 1038 of the BRCA2 protein (p.Tyr1038Cys). This variant is not present in population databases (gnomAD no frequency). This variant has not been reported in the literature in individuals affected with BRCA2-related conditions. ClinVar contains an entry for this variant (Variation ID: 232180). Advanced modeling of protein sequence and biophysical properties (such as structural, functional, and spatial information, amino acid conservation, physicochemical variation, residue mobility, and thermodynamic stability) performed at Invitae indicates that this missense variant is not expected to disrupt BRCA2 protein function with a negative predictive value of 95%. In summary, the available evidence is currently insufficient to determine the role of this variant in disease. Therefore, it has been classified as a Variant of Uncertain Significance.

University of Washington Department of Laboratory Medicine, University of Washington
Classification: Likely benign for Hereditary cancer-predisposing syndrome. Last evaluated: 2023-03-23. Review status: criteria provided, single submitter. Criteria: Dines et al. (Genet Med. 2020). Collection method: curation. Allele origin: germline.
Comment: Missense variant in a coldspot region where missense variants are very unlikely to be pathogenic (PMID:31911673).

BRCA2 exon 11 coldspot. Reclassification based on statistical prior probability.

Literature cited by the submitters: PubMed 31911673 (cited by Quest Diagnostics Nichols Institute San Juan Capistrano).